The following is an entry in ClinVar:

ClinVar aggregate classification (germline): Uncertain significance. Review status: criteria provided, multiple submitters, no conflicts (2 of 4 stars). 2 submissions from 2 submitters: Uncertain significance (2). Last evaluated 2019-12-20.

Conditions:
Hereditary cancer-predisposing syndrome. Also called: Hereditary Cancer Syndrome; Tumor predisposition; Neoplastic Syndromes, Hereditary; Hereditary neoplastic syndrome. Identifiers: Orphanet 140162, MedGen C0027672, MeSH D009386, MONDO:0015356.
Hereditary pheochromocytoma and paraganglioma. Also called: Hereditary pheochromocytoma-paraganglioma; Hereditary paragangliomas and pheochromocytomas; Hereditary Paraganglioma-Pheochromocytoma Syndromes. Identifiers: Orphanet 29072, MedGen C4274332, MONDO:0017366.

Submissions (2):

Ambry Genetics
Classification: Uncertain significance for Hereditary cancer-predisposing syndrome. Last evaluated: 2019-12-20. Review status: criteria provided, single submitter. Criteria: Ambry Variant Classification Scheme 2023. Collection method: clinical testing. Allele origin: germline.
Comment: The p.I134N variant (also known as c.401T>A), located in coding exon 2 of the TMEM127 gene, results from a T to A substitution at nucleotide position 401. The isoleucine at codon 134 is replaced by asparagine, an amino acid with dissimilar properties. This amino acid position is highly conserved in available vertebrate species. In addition, this alteration is predicted to be deleterious by in silico analysis. Since supporting evidence is limited at this time, the clinical significance of this alteration remains unclear.

Labcorp Genetics (formerly Invitae), Labcorp
Classification: Uncertain significance for Hereditary pheochromocytoma and paraganglioma. Last evaluated: 2019-10-29. Review status: criteria provided, single submitter. Criteria: Invitae Variant Classification Sherloc (09022015). Collection method: clinical testing. Allele origin: germline.
Comment: This sequence change replaces isoleucine with asparagine at codon 134 of the TMEM127 protein (p.Ile134Asn). The isoleucine residue is highly conserved and there is a large physicochemical difference between isoleucine and asparagine. This variant is not present in population databases (ExAC no frequency). This variant has not been reported in the literature in individuals with TMEM127-related conditions. Algorithms developed to predict the effect of missense changes on protein structure and function (SIFT, PolyPhen-2, Align-GVGD) all suggest that this variant is likely to be disruptive, but these predictions have not been confirmed by published functional studies and their clinical significance is uncertain. In summary, the available evidence is currently insufficient to determine the role of this variant in disease. Therefore, it has been classified as a Variant of Uncertain Significance.

NM_017849.4(TMEM127):c.401T>A (p.Ile134Asn)

Gene: TMEM127 (transmembrane protein 127; minus strand). Cytogenetic location: 2q11.2.
Variant type: single nucleotide variant.
Coding change: c.401T>A on transcript NM_017849.4 (MANE Select); coding-DNA position 401, T replaced by A.
Protein change: p.Ile134Asn; replaces isoleucine 134 with asparagine.
Molecular consequence: missense variant.
Genome position (GRCh38, 1-based): chr2:96,254,841, A>T on the plus strand (T>A on the coding strand, the complement: TMEM127 is on the minus strand). VCF-style: chr2-96254841-A-T. GRCh37 (hg19) VCF-style: chr2-96920579-A-T.
Other names: c.401T>A, p.Ile134Asn (NM_001193304.3); short protein forms I134N.
Identifiers: ClinVar variation 824508 (VCV000824508.14), dbSNP rs1573970063, ClinGen allele CA347653264.
Genomic context (GRCh38, chr2:96,254,841, plus strand): 5'-GCCCCCACCCTGTAGCAGTTCCTCTCCCACTGTGAGCAGGCTCACGGCTTACCCGTTAGG[A>T]TATGGGCGAAGGCATAGCGACGAGTGATCTTCAGAGCAGGATGCTTCGGCCCAAAGACAT-3'
Protein context (NP_060319.1, residues 124-144): KITRRYAFAH[Ile134Asn]LTVLQCATVI